The following is an entry in ClinVar:

ClinVar aggregate classification (germline): Uncertain significance (1 of 4 stars; one submission).

Conditions:
Epileptic encephalopathy. Identifiers: MedGen C0543888, HP:0200134.

Allele frequency attached by ClinVar (database versions not stated): gnomAD exomes below 0.00001 and 0.00001; ExAC 0.00001; TOPMed 0.00002; gnomAD 0.00005.
gnomAD v4.1: 9 of 1,545,880 alleles (0.00058%); highest among the groups gnomAD compares: African/African-American, 0.011%; no homozygotes.

Submission:

Labcorp Genetics (formerly Invitae), Labcorp
Classification: Uncertain significance for Epileptic encephalopathy. Last evaluated: 2025-08-16. Review status: criteria provided, single submitter. Criteria: Invitae Variant Classification Sherloc (09022015). Collection method: clinical testing. Allele origin: germline.
Comment: This sequence change falls in intron 13 of the GABBR2 gene. It does not directly change the encoded amino acid sequence of the GABBR2 protein. It affects a nucleotide within the consensus splice site. This variant is present in population databases (rs768251779, gnomAD 0.01%). This variant has not been reported in the literature in individuals affected with GABBR2-related conditions. ClinVar contains an entry for this variant (Variation ID: 1060213). Variants that disrupt the consensus splice site are a relatively common cause of aberrant splicing (PMID: 17576681, 9536098). Algorithms developed to predict the effect of sequence changes on RNA splicing suggest that this variant is not likely to affect RNA splicing. In summary, the available evidence is currently insufficient to determine the role of this variant in disease. Therefore, it has been classified as a Variant of Uncertain Significance.

Literature cited by the submitters: PubMed 17576681; PubMed 9536098.

NM_005458.8(GABBR2):c.1893+6C>A

Gene: GABBR2 (gamma-aminobutyric acid type B receptor subunit 2; minus strand). Cytogenetic location: 9q22.33.
Variant type: single nucleotide variant.
Coding change: c.1893+6C>A on transcript NM_005458.8 (MANE Select); 6 bases into the intron after coding-DNA position 1893, C replaced by A.
Molecular consequence: intron variant.
Genome position (GRCh38, 1-based): chr9:98,362,709, G>T on the plus strand (C>A on the coding strand, the complement: GABBR2 is on the minus strand). VCF-style: chr9-98362709-G-T. GRCh37 (hg19) VCF-style: chr9-101124991-G-T.
Identifiers: ClinVar variation 1060213 (VCV001060213.7), dbSNP rs768251779, ClinGen allele CA5152598.